The following is an entry in ClinVar:

NM_015272.5(RPGRIP1L):c.640G>A (p.Val214Ile)

Gene: RPGRIP1L (RPGRIP1 like; minus strand). Cytogenetic location: 16q12.2.
Variant type: single nucleotide variant.
Coding change: c.640G>A on transcript NM_015272.5 (MANE Select); coding-DNA position 640, G replaced by A.
Protein change: p.Val214Ile; replaces valine 214 with isoleucine.
Molecular consequence: missense variant.
Genome position (GRCh38, 1-based): chr16:53,686,569, C>T on the plus strand (G>A on the coding strand, the complement: RPGRIP1L is on the minus strand). VCF-style: chr16-53686569-C-T. GRCh37 (hg19) VCF-style: chr16-53720481-C-T.
Other names: c.640G>A, p.Val214Ile (NM_001127897.4, NM_001308334.3, NM_001330538.2); c.640G>A (NM_015272.4); short protein forms V214I.
Identifiers: ClinVar variation 287190 (VCV000287190.61), dbSNP rs139067427, ClinGen allele CA8058054.

ClinVar aggregate classification (germline): Conflicting classifications of pathogenicity. Review status: criteria provided, conflicting classifications (1 of 4 stars). 7 submissions from 7 submitters: Uncertain significance (2); Likely benign (3). 2 of the submissions do not count toward it. Last evaluated 2026-01-26.

Conditions:
RPGRIP1L-related disorder. Also called: RPGRIP1L-related condition; RPGRIP1L-related disorders. Identifiers: MedGen CN239416.
Meckel-Gruber syndrome. Also called: GRUBER SYNDROME; DYSENCEPHALIA SPLANCHNOCYSTICA; Dysencephalia splachnocystica. Identifiers: Orphanet 564, MedGen C0265215, MONDO:0018921.
Joubert syndrome. Also called: Familial aplasia of the vermis; JOUBERT-BOLTSHAUSER SYNDROME. Identifiers: Orphanet 475, MedGen C5979921, MONDO:0018772.

Allele frequency attached by ClinVar (database versions not stated): gnomAD exomes 0.00015 and 0.00039; ExAC 0.00053; gnomAD 0.00145 and 0.00146; TOPMed 0.00159; ESP Exome Variant Server 0.00208; 1000 Genomes Project 0.00260; 1000 Genomes Project 30x 0.00265.
gnomAD v4.1: 457 of 1,613,466 alleles (0.028%); highest among the groups gnomAD compares: African/African-American, 0.48%; 1 homozygote.

Submissions (7):

Labcorp Genetics (formerly Invitae), Labcorp
Classification: Likely benign for Joubert syndrome; Meckel-Gruber syndrome. Last evaluated: 2026-01-26. Review status: criteria provided, single submitter. Criteria: Invitae Variant Classification Sherloc (09022015). Collection method: clinical testing. Allele origin: germline.

Blueprint Genetics
Classification: Likely benign. Last evaluated: 2024-11-25. Review status: criteria provided, single submitter. Criteria: ACMG Guidelines, 2015. Collection method: clinical testing. Allele origin: germline.

GeneDx
Classification: Likely benign. Last evaluated: 2020-09-21. Review status: criteria provided, single submitter. Criteria: GeneDx Variant Classification Process June 2021. Collection method: clinical testing. Allele origin: germline. Affected: yes.
Comment: This variant is associated with the following publications: (PMID: 26862157)

Eurofins Ntd Llc (ga)
Classification: Uncertain significance. Last evaluated: 2017-05-23. Review status: criteria provided, single submitter. Criteria: EGL Classification Definitions 2015. Collection method: clinical testing. Allele origin: germline. Observed: 2 variant alleles, 2 heterozygotes.

CeGaT Center for Human Genetics Tuebingen
Classification: Uncertain significance. Last evaluated: 2016-10-01. Review status: criteria provided, single submitter. Criteria: CeGaT Center For Human Genetics Tuebingen Variant Classification Criteria Version 2. Collection method: clinical testing. Allele origin: germline. Affected: yes. Observed: 1 variant allele.

PreventionGenetics, part of Exact Sciences
Classification: Likely benign for RPGRIP1L-related condition. Last evaluated: 2021-06-29. Review status: no assertion criteria provided. Collection method: clinical testing. Allele origin: germline. Not counted in ClinVar's aggregate classification.
Comment: This variant is classified as likely benign based on ACMG/AMP sequence variant interpretation guidelines (Richards et al. 2015 PMID: 25741868, with internal and published modifications).

Natera, Inc.
Classification: Benign for Joubert syndrome. Last evaluated: 2020-01-17. Review status: no assertion criteria provided. Collection method: clinical testing. Allele origin: germline. Not counted in ClinVar's aggregate classification.